The following is an entry in ClinVar:

ClinVar aggregate classification (germline): Uncertain significance. Review status: criteria provided, multiple submitters, no conflicts (2 of 4 stars). 3 submissions from 3 submitters: Uncertain significance (3). Last evaluated 2025-08-12.

Conditions:
Lymphoproliferative syndrome 1 (LPFS1). Identifiers: Orphanet 238505, Orphanet 538963, MedGen C3552634, MONDO:0013081, OMIM 613011.
Inborn genetic diseases. Identifiers: MedGen C0950123, MeSH D030342.

Allele frequency attached by ClinVar (database versions not stated): gnomAD exomes below 0.00001 and 0.00001; gnomAD 0.00001; TOPMed 0.00003.
gnomAD v4.1: 10 of 1,613,892 alleles (0.00062%); highest among the groups gnomAD compares: African/African-American, 0.004%; no homozygotes.

Submissions (3):

Ambry Genetics
Classification: Uncertain significance for Inborn genetic diseases. Last evaluated: 2025-08-12. Review status: criteria provided, single submitter. Criteria: Ambry Variant Classification Scheme 2023. Collection method: clinical testing. Allele origin: germline.

Labcorp Genetics (formerly Invitae), Labcorp
Classification: Uncertain significance for Lymphoproliferative syndrome 1. Last evaluated: 2024-07-15. Review status: criteria provided, single submitter. Criteria: Invitae Variant Classification Sherloc (09022015). Collection method: clinical testing. Allele origin: germline.
Comment: This sequence change replaces lysine, which is basic and polar, with arginine, which is basic and polar, at codon 412 of the ITK protein (p.Lys412Arg). This variant is present in population databases (no rsID available, gnomAD 0.0009%). This variant has not been reported in the literature in individuals affected with ITK-related conditions. ClinVar contains an entry for this variant (Variation ID: 944137). An algorithm developed to predict the effect of missense changes on protein structure and function (PolyPhen-2) suggests that this variant is likely to be tolerated. In summary, the available evidence is currently insufficient to determine the role of this variant in disease. Therefore, it has been classified as a Variant of Uncertain Significance.

Laboratorio de Genetica e Diagnostico Molecular, Hospital Israelita Albert Einstein
Classification: Uncertain significance for Lymphoproliferative syndrome 1. Last evaluated: 2024-01-05. Review status: criteria provided, single submitter. Criteria: ACMG Guidelines, 2015. Collection method: clinical testing. Allele origin: germline. Affected: yes.
Comment: ACMG classification criteria: PM2 moderate, BP4 supporting

NM_005546.4(ITK):c.1235A>G (p.Lys412Arg)

Gene: ITK (IL2 inducible T cell kinase; plus strand). Cytogenetic location: 5q33.3.
Variant type: single nucleotide variant.
Coding change: c.1235A>G on transcript NM_005546.4 (MANE Select); coding-DNA position 1235, A replaced by G.
Protein change: p.Lys412Arg; replaces lysine 412 with arginine.
Molecular consequence: missense variant.
Genome position (GRCh38, 1-based): chr5:157,244,264, A>G. VCF-style: chr5-157244264-A-G. GRCh37 (hg19) VCF-style: chr5-156671274-A-G.
Other names: short protein forms K412R.
Identifiers: ClinVar variation 944137 (VCV000944137.11), dbSNP rs953401521, ClinGen allele CA130159278.
Genomic context (GRCh38, chr5:157,244,264, plus strand): 5'-TTCGGCATTTTTGGGAGACTGAGTTTAGGCCATCTCACCCCTTGTCTTTTTCCTCCAGGA[A>G]ACTCTCTCATCCCAAACTGGTGCAGCTGTATGGGGTGTGCCTGGAGCAGGCCCCCATCTG-3'
Protein context (NP_005537.3, residues 402-422): DFIEEAEVMM[Lys412Arg]LSHPKLVQLY